The following is an entry in ClinVar:

NM_152263.4(TPM3):c.567-4A>C

Gene: TPM3 (tropomyosin 3; minus strand). Cytogenetic location: 1q21.3.
Variant type: single nucleotide variant.
Coding change: c.567-4A>C on transcript NM_152263.4 (MANE Select); 4 bases into the intron before coding-DNA position 567, A replaced by C.
Molecular consequence: intron variant.
Genome position (GRCh38, 1-based): chr1:154,171,492, T>G on the plus strand (A>C on the coding strand, the complement: TPM3 is on the minus strand). VCF-style: chr1-154171492-T-G. GRCh37 (hg19) VCF-style: chr1-154143968-T-G.
Other names: c.567-4A>C (NM_001364679.2, NM_001364681.2); c.642+537A>C (NM_001364680.2, NM_001364682.1); c.333+537A>C (NM_001278188.2); c.456-4A>C (NM_001043351.2, NM_001043353.2, NM_001349679.2); c.531+537A>C (NM_001278190.2, NM_153649.4, NM_001043352.2 and 2 more transcripts); c.186-4A>C (NM_001278191.2).
Identifiers: ClinVar variation 582310 (VCV000582310.15), dbSNP rs199517163, ClinGen allele CA1125596.

ClinVar aggregate classification (germline): Uncertain significance. Review status: criteria provided, multiple submitters, no conflicts (2 of 4 stars). 3 submissions from 2 submitters: Uncertain significance (3). Last evaluated 2026-01-23.

Conditions:
Congenital myopathy 4B, autosomal recessive. Also called: Nemaline myopathy 1, autosomal dominant or recessive. Identifiers: Orphanet 171433, Orphanet 171439, Orphanet 171881, MedGen C5829889, MONDO:0012239, OMIM 609284.
Congenital myopathy with fiber type disproportion. Also called: Congenital fiber-type disproportion myopathy; Congenital fiber-type disproportion. Identifiers: Orphanet 2020, MedGen C0546264, MONDO:0009711. Inheritance: all.

Allele frequency attached by ClinVar (database versions not stated): gnomAD exomes 0.00003 and 0.00002; ExAC 0.00002; gnomAD 0.00001.
gnomAD v4.1: 41 of 1,613,682 alleles (0.0025%); highest among the groups gnomAD compares: Non-Finnish European, 0.0033%; no homozygotes.

Submissions (3):

Labcorp Genetics (formerly Invitae), Labcorp
Classification: Uncertain significance for Congenital myopathy with fiber type disproportion; Congenital myopathy 4B, autosomal recessive. Last evaluated: 2026-01-23. Review status: criteria provided, single submitter. Criteria: Invitae Variant Classification Sherloc (09022015). Collection method: clinical testing. Allele origin: germline.
Comment: This sequence change falls in intron 5 of the TPM3 gene. It does not directly change the encoded amino acid sequence of the TPM3 protein. This variant is present in population databases (rs199517163, gnomAD 0.005%). This variant has not been reported in the literature in individuals affected with TPM3-related conditions. ClinVar contains an entry for this variant (Variation ID: 582310). Algorithms developed to predict the effect of sequence changes on RNA splicing suggest that this variant may create or strengthen a splice site. In summary, the available evidence is currently insufficient to determine the role of this variant in disease. Therefore, it has been classified as a Variant of Uncertain Significance.

Illumina Laboratory Services, Illumina
Classification: Uncertain significance for Congenital myopathy 4B, autosomal recessive. Last evaluated: 2017-04-27. Review status: criteria provided, single submitter. Criteria: ICSL Variant Classification Criteria 13 December 2019. Collection method: clinical testing. Allele origin: germline.

Illumina Laboratory Services, Illumina
Classification: Uncertain significance for Congenital myopathy 4A, autosomal dominant. Last evaluated: 2017-04-27. Review status: criteria provided, single submitter. Criteria: ICSL Variant Classification Criteria 13 December 2019. Collection method: clinical testing. Allele origin: germline.